The following is an entry in ClinVar:

NC_000023.11:g.(31507454_31627672)_(31968515_32216915)del

Gene: DMD (dystrophin; minus strand). Cytogenetic location: Xp21.1.
Variant type: Deletion.
Identifiers: ClinVar variation 933205 (VCV000933205.1).

ClinVar aggregate classification (germline): Pathogenic (1 of 4 stars; one submission).

Conditions:
Neuromuscular disease caused by qualitative or quantitative defects of dystrophin. Also called: Qualitative or quantitative defects of dystrophin. Identifiers: Orphanet 207085, MedGen C5679787, MONDO:0016147.

Submission:

Women's Health and Genetics/Laboratory Corporation of America, LabCorp
Classification: Pathogenic for Dystrophinopathies. Last evaluated: 2020-05-28. Review status: criteria provided, single submitter. Criteria: LabCorp Variant Classification Summary - May 2015. Collection method: clinical testing. Allele origin: germline.
Comment: Variant summary: The variant identified by MLPA or other technology involves the deletion of exons 45-55 in the DMD gene. A presumed nomenclature of c.(6438+1_6439-1)_(8217+1_8218-1)del has been designated for the purposes of this classification. Although exact breakpoints of this deletion are not known, it is expected to result in a large in-frame deletion change in the DMD gene, a known mechanism of disease. The variant was absent in 15845 control chromosomes. c.(6438+1_6439-1)_(8217+1_8218-1)del has been reported in the literature in individuals affected with Dystrophinopathies (Lalic_2005, Ankala_2012, Zimowski_2014, Okubo_2016). These data indicate that the variant is likely to be associated with disease. One clinical diagnostic laboratory has submitted clinical-significance assessments for this variant to ClinVar after 2014 without evidence for independent evaluation and classified the variant as pathogenic. Based on the evidence outlined above, the variant was classified as pathogenic.

Literature cited by the submitters: PubMed 26911353; PubMed 22090376; PubMed 16030524; PubMed 25482253.